The following is an entry in ClinVar:

NM_005591.4(MRE11):c.600G>A (p.Met200Ile)

Gene: MRE11 (MRE11 double strand break repair nuclease; minus strand). Cytogenetic location: 11q21.
Variant type: single nucleotide variant.
Coding change: c.600G>A on transcript NM_005591.4 (MANE Select); coding-DNA position 600, G replaced by A.
Protein change: p.Met200Ile; replaces methionine 200 with isoleucine.
Molecular consequence: missense variant. On other transcripts: intron variant (3).
Genome position (GRCh38, 1-based): chr11:94,476,348, C>T on the plus strand (G>A on the coding strand, the complement: MRE11 is on the minus strand). VCF-style: chr11-94476348-C-T. GRCh37 (hg19) VCF-style: chr11-94209514-C-T.
Other names: c.600G>A, p.Met200Ile (NM_001330347.2, NM_001440460.1, NM_001440461.1 and 18 more transcripts); c.525G>A, p.Met175Ile (NM_001440471.1, NM_001440472.1, NM_001440479.1); c.132G>A, p.Met44Ile (NM_001440485.1, NM_001440486.1, NM_001440487.1); c.315-4589G>A (NM_001440483.1, NM_001440484.1, NM_001440482.1); short protein forms M44I, M200I, M175I.
Identifiers: ClinVar variation 4650989 (VCV004650989.1).

ClinVar aggregate classification (germline): Uncertain significance (1 of 4 stars; one submission).

Conditions:
Hereditary cancer-predisposing syndrome. Also called: Neoplastic Syndromes, Hereditary; Tumor predisposition; Hereditary Cancer Syndrome; Hereditary neoplastic syndrome. Identifiers: Orphanet 140162, MedGen C0027672, MeSH D009386, MONDO:0015356.

Submission:

Ambry Genetics
Classification: Uncertain significance for Hereditary cancer-predisposing syndrome. Last evaluated: 2025-09-26. Review status: criteria provided, single submitter. Criteria: Ambry Variant Classification Scheme 2023. Collection method: clinical testing. Allele origin: germline.
Comment: The p.M200I variant (also known as c.600G>A), located in coding exon 6 of the MRE11A gene, results from a G to A substitution at nucleotide position 600. The methionine at codon 200 is replaced by isoleucine, an amino acid with highly similar properties. This amino acid position is conserved. In addition, this alteration is predicted to be deleterious by in silico analysis. Based on the available evidence, the clinical significance of this variant remains unclear.